The following is an entry in ClinVar:

NM_078480.3(PUF60):c.163G>T (p.Gly55Trp)

Gene: PUF60 (poly(U) binding splicing factor 60; minus strand). Cytogenetic location: 8q24.3.
Variant type: single nucleotide variant.
Coding change: c.163G>T on transcript NM_078480.3 (MANE Select); coding-DNA position 163, G replaced by T.
Protein change: p.Gly55Trp; replaces glycine 55 with tryptophan.
Molecular consequence: missense variant.
Genome position (GRCh38, 1-based): chr8:143,821,862, C>A on the plus strand (G>T on the coding strand, the complement: PUF60 is on the minus strand). VCF-style: chr8-143821862-C-A. GRCh37 (hg19) VCF-style: chr8-144904032-C-A.
Other names: c.34G>T, p.Gly12Trp (NM_001136033.3, NM_001271100.2); c.160G>T, p.Gly54Trp (NM_001271096.2, NM_001271098.2); c.76G>T, p.Gly26Trp (NM_001271097.2, NM_001271099.2); c.274G>T, p.Gly92Trp (NM_001362895.2, NM_001362896.2, NM_001362897.2); c.163G>T, p.Gly55Trp (NM_014281.5); short protein forms G12W, G26W, G54W, G55W, G92W.
Identifiers: ClinVar variation 3897289 (VCV003897289.1).

ClinVar aggregate classification (germline): Uncertain significance (1 of 4 stars; one submission).

Submission:

GeneDx
Classification: Uncertain significance. Last evaluated: 2024-11-05. Review status: criteria provided, single submitter. Criteria: GeneDx Variant Classification Process June 2021. Collection method: clinical testing. Allele origin: germline. Affected: yes.
Comment: Not observed at significant frequency in large population cohorts (gnomAD); In silico analysis supports that this missense variant has a deleterious effect on protein structure/function; Has not been previously published as pathogenic or benign to our knowledge